The following is an entry in ClinVar:

ClinVar aggregate classification (germline): Likely pathogenic (1 of 4 stars; one submission).

Conditions:
Trichohepatoenteric syndrome. Also called: THE SYNDROME; Syndromic diarrhea; Tricho-hepato-enteric syndrome. Identifiers: Orphanet 84064, MedGen C1857276, MONDO:0009105.

Submission:

Women's Health and Genetics/Laboratory Corporation of America, LabCorp
Classification: Likely pathogenic for Trichohepatoenteric syndrome. Last evaluated: 2023-01-21. Review status: criteria provided, single submitter. Criteria: LabCorp Variant Classification Summary - May 2015. Collection method: clinical testing. Allele origin: germline.
Comment: Variant summary: SKIV2L c.1808delT (p.Phe603SerfsX26) results in a premature termination codon, predicted to cause a truncation of the encoded protein or absence of the protein due to nonsense mediated decay, which are commonly known mechanisms for disease. Truncations downstream of this position have been classified as pathogenic within ClinVar (e.g. c.2662_2663del [p.Arg888fs]). The variant allele was found at a frequency of 4.1e-06 in 246024 control chromosomes (gnomAD). To our knowledge, no occurrence of c.1808delT in individuals affected with Trichohepatoenteric Syndrome and no experimental evidence demonstrating its impact on protein function have been reported. No clinical diagnostic laboratories have submitted clinical-significance assessments for this variant to ClinVar after 2014. Based on the evidence outlined above, the variant was classified as likely pathogenic.

NM_006929.5(SKIC2):c.1808del (p.Phe603fs)

Gene: SKIC2 (SKI2 subunit of superkiller complex; plus strand). Cytogenetic location: 6p21.33.
Variant type: Deletion.
Coding change: c.1808del on transcript NM_006929.5 (MANE Select); coding-DNA position 1808, one base deleted (T; older notation c.1808delT).
Protein change: p.Phe603fs; shifts the reading frame from phenylalanine 603.
Molecular consequence: frameshift variant.
Genome position (GRCh38, 1-based): chr6:31,964,073, T deleted; the last of 2 consecutive T bases (chr6:31,964,072-31,964,073); deleting either gives the same sequence. VCF-style (leftmost placement, unchanged base first): chr6-31964071-CT-C. GRCh37 (hg19) VCF-style: chr6-31931848-CT-C.
Other names: short protein forms F603fs.
Identifiers: ClinVar variation 2429227 (VCV002429227.2), dbSNP rs1244156082, ClinGen allele CA566693042.
Genomic context (GRCh38, chr6:31,964,071, plus strand): 5'-GGCCTCAGGCCTCACCTCCCTTGACCTCACCACCAGTTCGGAGAAGAGCGAGATCCACCT[CT>C]TCCTGCAGCGCTGCCTTGCTCGCCTCCGTGGCTCTGACCGCCAGCTGCCCCAGGTGCGTC-3'